The following is an entry in ClinVar:

ClinVar aggregate classification (germline): Conflicting classifications of pathogenicity. Review status: criteria provided, conflicting classifications (1 of 4 stars). 4 submissions from 4 submitters: Uncertain significance (3); Benign (1). Last evaluated 2025-11-25.

Conditions:
Hereditary cancer-predisposing syndrome. Also called: Neoplastic Syndromes, Hereditary; Tumor predisposition; Hereditary Cancer Syndrome; Hereditary neoplastic syndrome. Identifiers: Orphanet 140162, MedGen C0027672, MeSH D009386, MONDO:0015356.
Retinoblastoma (RB1). Also called: RETINOBLASTOMA, SOMATIC. Identifiers: Orphanet 790, MedGen C0035335, MeSH D012175, MONDO:0008380, OMIM 180200, HP:0009919. Disease mechanism: loss of function. Inheritance: Both sporadic and heritable forms are tested..
RB1-related disorder. Also called: RB1-related condition.

Allele frequency attached by ClinVar (database versions not stated): gnomAD 0.00003; TOPMed 0.00003.
gnomAD v4.1: 76 of 1,467,818 alleles (0.0052%); highest among the groups gnomAD compares: Non-Finnish European, 0.0065%; no homozygotes.

Submissions (4):

Labcorp Genetics (formerly Invitae), Labcorp
Classification: Benign for Retinoblastoma. Last evaluated: 2025-11-25. Review status: criteria provided, single submitter. Criteria: Invitae Variant Classification Sherloc (09022015). Collection method: clinical testing. Allele origin: germline.

GeneDx
Classification: Uncertain significance. Last evaluated: 2024-09-11. Review status: criteria provided, single submitter. Criteria: GeneDx Variant Classification Process June 2021. Collection method: clinical testing. Allele origin: germline. Affected: yes.
Comment: In silico analysis indicates that this missense variant does not alter protein structure/function; Has not been previously published as pathogenic or benign to our knowledge; This variant is associated with the following publications: (PMID: 23516486)

Ambry Genetics
Classification: Uncertain significance for Hereditary cancer-predisposing syndrome. Last evaluated: 2024-08-27. Review status: criteria provided, single submitter. Criteria: Ambry Variant Classification Scheme 2023. Collection method: clinical testing. Allele origin: germline.

PreventionGenetics, part of Exact Sciences
Classification: Uncertain significance for RB1-related condition. Last evaluated: 2023-08-18. Review status: criteria provided, single submitter. Criteria: ACMG Guidelines, 2015. Collection method: clinical testing. Allele origin: germline.
Comment: The RB1 c.109A>G variant is predicted to result in the amino acid substitution p.Ser37Gly. To our knowledge, this variant has not been reported in the literature. This variant is reported in 0.0048% of alleles in individuals of European (Non-Finnish) descent in gnomAD. In ClinVar, this variant has conflicting interpretations including benign and uncertain. At this time, the clinical significance of this variant is uncertain due to the absence of conclusive functional and genetic evidence.

NM_000321.3(RB1):c.109A>G (p.Ser37Gly)

Gene: RB1 (RB transcriptional corepressor 1; plus strand). Cytogenetic location: 13q14.2.
Variant type: single nucleotide variant.
Coding change: c.109A>G on transcript NM_000321.3 (MANE Select); coding-DNA position 109, A replaced by G.
Protein change: p.Ser37Gly; replaces serine 37 with glycine.
Molecular consequence: missense variant.
Genome position (GRCh38, 1-based): chr13:48,304,021, A>G. VCF-style: chr13-48304021-A-G. GRCh37 (hg19) VCF-style: chr13-48878157-A-G.
Other names: short protein forms S37G.
Identifiers: ClinVar variation 527919 (VCV000527919.19), dbSNP rs896487590, ClinGen allele CA249842033.
Genomic context (GRCh38, chr13:48,304,021, plus strand): 5'-GCCGCGGAACCCCCGGCACCGCCGCCGCCGCCCCCTCCTGAGGAGGACCCAGAGCAGGAC[A>G]GCGGCCCGGAGGACCTGCCTCTCGTCAGGTGAGCGAGCAGAGCCGCCGTCGCCTCACGCG-3'
Protein context (NP_000312.2, residues 27-47): PPPEEDPEQD[Ser37Gly]GPEDLPLVRL